The following is an entry in ClinVar:

ClinVar aggregate classification (germline): Uncertain significance (1 of 4 stars; one submission).

Conditions:
Charcot-Marie-Tooth disease type 2. Also called: Charcot-Marie-Tooth type 2. Identifiers: Orphanet 64746, MedGen C0270914, MONDO:0018993.

gnomAD v4.1: 3 of 1,614,030 alleles (0.00019%); highest among the groups gnomAD compares: Non-Finnish European, 0.00025%; no homozygotes.

Submission:

Labcorp Genetics (formerly Invitae), Labcorp
Classification: Uncertain significance for Charcot-Marie-Tooth disease type 2. Last evaluated: 2024-05-14. Review status: criteria provided, single submitter. Criteria: Invitae Variant Classification Sherloc (09022015). Collection method: clinical testing. Allele origin: germline.
Comment: This sequence change replaces valine, which is neutral and non-polar, with leucine, which is neutral and non-polar, at codon 573 of the MFN2 protein (p.Val573Leu). This variant is not present in population databases (gnomAD no frequency). This variant has not been reported in the literature in individuals affected with MFN2-related conditions. ClinVar contains an entry for this variant (Variation ID: 2008289). An algorithm developed to predict the effect of missense changes on protein structure and function (PolyPhen-2) suggests that this variant is likely to be tolerated. In summary, the available evidence is currently insufficient to determine the role of this variant in disease. Therefore, it has been classified as a Variant of Uncertain Significance.

NM_014874.4(MFN2):c.1717G>C (p.Val573Leu)

Gene: MFN2 (mitofusin 2; plus strand). Cytogenetic location: 1p36.22.
Variant type: single nucleotide variant.
Coding change: c.1717G>C on transcript NM_014874.4 (MANE Select); coding-DNA position 1717, G replaced by C.
Protein change: p.Val573Leu; replaces valine 573 with leucine.
Molecular consequence: missense variant.
Genome position (GRCh38, 1-based): chr1:12,006,538, G>C. VCF-style: chr1-12006538-G-C. GRCh37 (hg19) VCF-style: chr1-12066595-G-C.
Other names: c.1717G>C, p.Val573Leu (NM_001127660.2); short protein forms V573L.
Identifiers: ClinVar variation 2008289 (VCV002008289.4), dbSNP rs370335693, ClinGen allele CA338448311.